The following is an entry in ClinVar:

NM_018943.3(TUBA8):c.4C>T (p.Arg2Trp)

Gene: TUBA8 (tubulin alpha 8; plus strand). Cytogenetic location: 22q11.21.
Variant type: single nucleotide variant.
Coding change: c.4C>T on transcript NM_018943.3 (MANE Select); coding-DNA position 4, C replaced by T.
Protein change: p.Arg2Trp; replaces arginine 2 with tryptophan.
Molecular consequence: missense variant. On other transcripts: 5 prime UTR variant (1).
Genome position (GRCh38, 1-based): chr22:18,121,479, C>T. VCF-style: chr22-18121479-C-T. GRCh37 (hg19) VCF-style: chr22-18604246-C-T.
Other names: c.-195C>T (NM_001193414.2); short protein forms R2W.
Identifiers: ClinVar variation 1308984 (VCV001308984.9), dbSNP rs773653519, ClinGen allele CA10093565.
Genomic context (GRCh38, chr22:18,121,479, plus strand): 5'-AGGGCAAAGGCATGCTGGGGGCCCAGACTCTCTGACCTCGTTGCTTCCCTCTCCCCACAG[C>T]GGGAATGCATATCAGTCCACGTGGGCCAAGCGGGAGTTCAGATTGGCAATGCCTGCTGGG-3'
Protein context (NP_061816.1, residues 1-12): M[Arg2Trp]ECISVHVGQA

ClinVar aggregate classification (germline): Uncertain significance. Review status: criteria provided, multiple submitters, no conflicts (2 of 4 stars). 2 submissions from 2 submitters: Uncertain significance (2). Last evaluated 2024-10-07.

Allele frequency attached by ClinVar (database versions not stated): ExAC 0.00001; gnomAD exomes 0.00001; TOPMed 0.00001.
gnomAD v4.1: 13 of 1,613,154 alleles (0.00081%); highest among the groups gnomAD compares: South Asian, 0.0011%; no homozygotes.

Submissions (2):

Labcorp Genetics (formerly Invitae), Labcorp
Classification: Uncertain significance. Last evaluated: 2024-10-07. Review status: criteria provided, single submitter. Criteria: Invitae Variant Classification Sherloc (09022015). Collection method: clinical testing. Allele origin: germline.
Comment: This sequence change replaces arginine, which is basic and polar, with tryptophan, which is neutral and slightly polar, at codon 2 of the TUBA8 protein (p.Arg2Trp). This variant is present in population databases (rs773653519, gnomAD 0.002%). This variant has not been reported in the literature in individuals affected with TUBA8-related conditions. ClinVar contains an entry for this variant (Variation ID: 1308984). An algorithm developed to predict the effect of missense changes on protein structure and function (PolyPhen-2) suggests that this variant is likely to be disruptive. In summary, the available evidence is currently insufficient to determine the role of this variant in disease. Therefore, it has been classified as a Variant of Uncertain Significance.

GeneDx
Classification: Uncertain significance. Last evaluated: 2019-09-30. Review status: criteria provided, single submitter. Criteria: GeneDx Variant Classification Process June 2021. Collection method: clinical testing. Allele origin: germline. Affected: yes.
Comment: Not observed at a significant frequency in large population cohorts (Lek et al., 2016); In silico analysis, which includes protein predictors and evolutionary conservation, supports a deleterious effect; Has not been previously published as pathogenic or benign to our knowledge